The following is an entry in ClinVar:

ClinVar aggregate classification (germline): Uncertain significance (1 of 4 stars; one submission).

Conditions:
Retinitis pigmentosa 71 (RP71). Identifiers: Orphanet 791, MedGen C4225342, MONDO:0014618, OMIM 616394.
Short-rib thoracic dysplasia 10 with or without polydactyly (SRTD10). Identifiers: Orphanet 474, MedGen C3810175, MONDO:0014284, OMIM 615630.

Submission:

Labcorp Genetics (formerly Invitae), Labcorp
Classification: Uncertain significance for Retinitis pigmentosa 71; Short-rib thoracic dysplasia 10 with or without polydactyly. Last evaluated: 2021-12-22. Review status: criteria provided, single submitter. Criteria: Invitae Variant Classification Sherloc (09022015). Collection method: clinical testing. Allele origin: germline.
Comment: Algorithms developed to predict the effect of missense changes on protein structure and function are either unavailable or do not agree on the potential impact of this missense change (SIFT: "Deleterious"; PolyPhen-2: "Benign"; Align-GVGD: "Class C0"). In summary, the available evidence is currently insufficient to determine the role of this variant in disease. Therefore, it has been classified as a Variant of Uncertain Significance. This sequence change replaces asparagine, which is neutral and polar, with isoleucine, which is neutral and non-polar, at codon 836 of the IFT172 protein (p.Asn836Ile). This variant is not present in population databases (gnomAD no frequency). This variant has not been reported in the literature in individuals affected with IFT172-related conditions.

NM_015662.3(IFT172):c.2507A>T (p.Asn836Ile)

Gene: IFT172 (intraflagellar transport 172; minus strand). Cytogenetic location: 2p23.3.
Variant type: single nucleotide variant.
Coding change: c.2507A>T on transcript NM_015662.3 (MANE Select); coding-DNA position 2507, A replaced by T.
Protein change: p.Asn836Ile; replaces asparagine 836 with isoleucine.
Molecular consequence: missense variant.
Genome position (GRCh38, 1-based): chr2:27,461,029, T>A on the plus strand (A>T on the coding strand, the complement: IFT172 is on the minus strand). VCF-style: chr2-27461029-T-A. GRCh37 (hg19) VCF-style: chr2-27683896-T-A.
Other names: c.2441A>T, p.Asn814Ile (NM_001410739.1); short protein forms N814I, N836I.
Identifiers: ClinVar variation 2053415 (VCV002053415.4), dbSNP rs2465875515, ClinGen allele CA346383499.